The following is an entry in ClinVar:

NM_001009944.3(PKD1):c.9233T>C (p.Met3078Thr)

Gene: PKD1 (polycystin 1, transient receptor potential channel interacting; minus strand). Cytogenetic location: 16p13.3.
Variant type: single nucleotide variant.
Coding change: c.9233T>C on transcript NM_001009944.3 (MANE Select); coding-DNA position 9233, T replaced by C.
Protein change: p.Met3078Thr; replaces methionine 3078 with threonine.
Molecular consequence: missense variant.
Genome position (GRCh38, 1-based): chr16:2,102,225, A>G on the plus strand (T>C on the coding strand, the complement: PKD1 is on the minus strand). VCF-style: chr16-2102225-A-G. GRCh37 (hg19) VCF-style: chr16-2152226-A-G.
Other names: p.Met3078Thr; c.9233T>C, p.Met3078Thr (NM_000296.4); short protein forms M3078T.
Identifiers: ClinVar variation 2301259 (VCV002301259.4), dbSNP rs879544330, ClinGen allele CA276775140.

ClinVar aggregate classification (germline): Uncertain significance. Review status: criteria provided, multiple submitters, no conflicts (2 of 4 stars). 3 submissions from 3 submitters: Uncertain significance (3). Last evaluated 2026-09-17.

Conditions:
PKD1-related disorder. Also called: PKD1-related condition.
Inborn genetic diseases. Identifiers: MedGen C0950123, MeSH D030342.

Allele frequency attached by ClinVar (database versions not stated): gnomAD exomes 0.00002; TOPMed 0.00002.
gnomAD v4.1: 25 of 1,527,712 alleles (0.0016%); highest among the groups gnomAD compares: Non-Finnish European, 0.0022%; no homozygotes.

Submissions (3):

PreventionGenetics, part of Exact Sciences
Classification: Uncertain significance for PKD1-related condition. Last evaluated: 2026-09-17. Review status: criteria provided, single submitter. Criteria: ACMG Guidelines, 2015. Collection method: clinical testing. Allele origin: germline.
Comment: The PKD1 c.9233T>C variant is predicted to result in the amino acid substitution p.Met3078Thr. To our knowledge, this variant has not been reported in the literature or in a large population database (gnomAD), indicating this variant is rare. At this time, the clinical significance of this variant is uncertain due to the absence of conclusive functional and genetic evidence.

Mayo Clinic Laboratories, Mayo Clinic
Classification: Uncertain significance. Last evaluated: 2024-07-03. Review status: criteria provided, single submitter. Criteria: ACMG Guidelines, 2015. Collection method: clinical testing. Allele origin: germline. Observed: 2 variant alleles.
Comment: BP4, PM2

Ambry Genetics
Classification: Uncertain significance for Inborn genetic diseases. Last evaluated: 2022-08-11. Review status: criteria provided, single submitter. Criteria: Ambry Variant Classification Scheme 2023. Collection method: clinical testing. Allele origin: germline.
Comment: The c.9233T>C (p.M3078T) alteration is located in exon 26 (coding exon 26) of the PKD1 gene. This alteration results from a T to C substitution at nucleotide position 9233, causing the methionine (M) at amino acid position 3078 to be replaced by a threonine (T). This variant was not reported in population-based cohorts in the Genome Aggregation Database (gnomAD). This amino acid position is poorly conserved in available vertebrate species. This alteration is predicted to be tolerated by in silico analysis. Based on insufficient or conflicting evidence, the clinical significance of this alteration remains unclear.